The following is an entry in ClinVar:

ClinVar aggregate classification (germline): Uncertain significance (1 of 4 stars; one submission).

Conditions:
Hereditary breast ovarian cancer syndrome. Also called: Hereditary breast and ovarian cancer syndrome (HBOC); Hereditary breast and/or ovarian cancer syndrome; Hereditary breast and ovarian cancer syndrome; Breast and ovarian cancer; Hereditary breast and ovarian cancer; BRCA1- and BRCA2-Associated Hereditary Breast and Ovarian Cancer. Identifiers: Orphanet 145, MedGen C0677776, MeSH D061325, MONDO:0003582. Disease mechanism: loss of function.

Submission:

Labcorp Genetics (formerly Invitae), Labcorp
Classification: Uncertain significance for Hereditary breast ovarian cancer syndrome. Last evaluated: 2023-09-10. Review status: criteria provided, single submitter. Criteria: Invitae Variant Classification Sherloc (09022015). Collection method: clinical testing. Allele origin: germline.
Comment: In summary, the available evidence is currently insufficient to determine the role of this variant in disease. Therefore, it has been classified as a Variant of Uncertain Significance. Advanced modeling of protein sequence and biophysical properties (such as structural, functional, and spatial information, amino acid conservation, physicochemical variation, residue mobility, and thermodynamic stability) performed at Invitae indicates that this missense variant is not expected to disrupt BRCA2 protein function. This variant has not been reported in the literature in individuals affected with BRCA2-related conditions. This variant is not present in population databases (gnomAD no frequency). This sequence change replaces lysine, which is basic and polar, with glutamic acid, which is acidic and polar, at codon 584 of the BRCA2 protein (p.Lys584Glu).

NM_000059.4(BRCA2):c.1750A>G (p.Lys584Glu)

Gene: BRCA2 (BRCA2 DNA repair associated; plus strand). Cytogenetic location: 13q13.1.
Variant type: single nucleotide variant.
Coding change: c.1750A>G on transcript NM_000059.4 (MANE Select); coding-DNA position 1750, A replaced by G.
Protein change: p.Lys584Glu; replaces lysine 584 with glutamic acid.
Molecular consequence: missense variant. On other transcripts: non-coding transcript variant (1), intron variant (1).
Genome position (GRCh38, 1-based): chr13:32,333,228, A>G. VCF-style: chr13-32333228-A-G. GRCh37 (hg19) VCF-style: chr13-32907365-A-G.
Other names: c.1750A>G, p.Lys584Glu (NM_001406719.1, NM_001406720.1, NM_001406721.1); c.424+2198A>G (NM_001406722.1); short protein forms K584E.
Identifiers: ClinVar variation 2759631 (VCV002759631.3), dbSNP rs771643595, ClinGen allele CA387765493.